The following is an entry in ClinVar:

NM_004655.4(AXIN2):c.430A>G (p.Ile144Val)

Gene: AXIN2 (axin 2; minus strand). Cytogenetic location: 17q24.1.
Variant type: single nucleotide variant.
Coding change: c.430A>G on transcript NM_004655.4 (MANE Select); coding-DNA position 430, A replaced by G.
Protein change: p.Ile144Val; replaces isoleucine 144 with valine.
Molecular consequence: missense variant.
Genome position (GRCh38, 1-based): chr17:65,558,191, T>C on the plus strand (A>G on the coding strand, the complement: AXIN2 is on the minus strand). VCF-style: chr17-65558191-T-C. GRCh37 (hg19) VCF-style: chr17-63554309-T-C.
Other names: c.430A>G (LRG_296t1); c.430A>G, p.Ile144Val (NM_001363813.1); short protein forms I144V.
Identifiers: ClinVar variation 533159 (VCV000533159.11), dbSNP rs1555583470, ClinGen allele CA400681406.

ClinVar aggregate classification (germline): Conflicting classifications of pathogenicity. Review status: criteria provided, conflicting classifications (1 of 4 stars). 2 submissions from 2 submitters: Uncertain significance (1); Likely benign (1). Last evaluated 2025-10-18.

Conditions:
Hereditary cancer-predisposing syndrome. Also called: Hereditary neoplastic syndrome; Neoplastic Syndromes, Hereditary; Tumor predisposition; Hereditary Cancer Syndrome. Identifiers: Orphanet 140162, MedGen C0027672, MeSH D009386, MONDO:0015356.
Oligodontia-cancer predisposition syndrome. Also called: TOOTH AGENESIS-COLORECTAL CANCER SYNDROME. Identifiers: Orphanet 300576, MedGen C1837750, MONDO:0012075, OMIM 608615. Disease mechanism: loss of function.

Allele frequency attached by ClinVar (database versions not stated): gnomAD exomes below 0.00001; TOPMed below 0.00001.
gnomAD v4.1: 4 of 1,614,156 alleles (0.00025%); highest among the groups gnomAD compares: Non-Finnish European, 0.00034%; no homozygotes.

Submissions (2):

Labcorp Genetics (formerly Invitae), Labcorp
Classification: Uncertain significance for Oligodontia-cancer predisposition syndrome. Last evaluated: 2025-10-18. Review status: criteria provided, single submitter. Criteria: Invitae Variant Classification Sherloc (09022015). Collection method: clinical testing. Allele origin: germline.
Comment: This sequence change replaces isoleucine, which is neutral and non-polar, with valine, which is neutral and non-polar, at codon 144 of the AXIN2 protein (p.Ile144Val). This variant is not present in population databases (gnomAD no frequency). This variant has not been reported in the literature in individuals affected with AXIN2-related conditions. ClinVar contains an entry for this variant (Variation ID: 533159). Invitae Evidence Modeling of protein sequence and biophysical properties (such as structural, functional, and spatial information, amino acid conservation, physicochemical variation, residue mobility, and thermodynamic stability) indicates that this missense variant is not expected to disrupt AXIN2 protein function with a negative predictive value of 80%. In summary, the available evidence is currently insufficient to determine the role of this variant in disease. Therefore, it has been classified as a Variant of Uncertain Significance.

Ambry Genetics
Classification: Likely benign for Hereditary cancer-predisposing syndrome. Last evaluated: 2023-12-07. Review status: criteria provided, single submitter. Criteria: Ambry Variant Classification Scheme 2023. Collection method: clinical testing. Allele origin: germline.